The following is an entry in ClinVar:

NM_003900.5(SQSTM1):c.213C>T (p.Asp71=)

Gene: SQSTM1 (sequestosome 1; plus strand). Cytogenetic location: 5q35.3.
Variant type: single nucleotide variant.
Coding change: c.213C>T on transcript NM_003900.5 (MANE Select); coding-DNA position 213, C replaced by T.
Protein change: p.Asp71=; no amino-acid change (aspartic acid 71 retained).
Molecular consequence: synonymous variant. On other transcripts: 5 prime UTR variant (2).
Genome position (GRCh38, 1-based): chr5:179,822,965, C>T. VCF-style: chr5-179822965-C-T. GRCh37 (hg19) VCF-style: chr5-179249965-C-T.
Other names: c.213C>T (NM_003900.4); c.-40C>T (NM_001142298.2, NM_001142299.2).
Identifiers: ClinVar variation 1114791 (VCV001114791.10), dbSNP rs780842511, ClinGen allele CA3600417.

ClinVar aggregate classification (germline): Likely benign. Review status: criteria provided, multiple submitters, no conflicts (2 of 4 stars). 2 submissions from 2 submitters: Likely benign (2). Last evaluated 2024-12-18.

Conditions:
SQSTM1-related disorder. Also called: SQSTM1-Related Disorders.
Paget disease of bone 2, early-onset (PDB2). Also called: Paget disease of bone 2. Identifiers: MedGen C4085251, MONDO:0011183, OMIM 602080.
Frontotemporal dementia and/or amyotrophic lateral sclerosis 1 (FTDALS1). Also called: Frontotemporal dementia with motor neuron disease 1; C9orf72 Frontotemporal Dementia and/or Amyotrophic Lateral Sclerosis. Identifiers: Orphanet 275872, MedGen C5779877, MONDO:0007105, OMIM 105550.

Allele frequency attached by ClinVar (database versions not stated): gnomAD exomes below 0.00001 and 0.00001; TOPMed below 0.00001; ExAC 0.00001.
gnomAD v4.1: 7 of 1,614,030 alleles (0.00043%); highest among the groups gnomAD compares: Middle Eastern, 0.016%; no homozygotes.

Submissions (2):

PreventionGenetics, part of Exact Sciences
Classification: Likely benign for SQSTM1-related condition. Last evaluated: 2024-12-18. Review status: criteria provided, single submitter. Criteria: ACMG Guidelines, 2015. Collection method: clinical testing. Allele origin: germline.
Comment: This variant is classified as likely benign based on ACMG/AMP sequence variant interpretation guidelines (Richards et al. 2015 PMID: 25741868, with internal and published modifications).

Labcorp Genetics (formerly Invitae), Labcorp
Classification: Likely benign for Paget disease of bone 2, early-onset; Frontotemporal dementia and/or amyotrophic lateral sclerosis 1. Last evaluated: 2023-11-25. Review status: criteria provided, single submitter. Criteria: Invitae Variant Classification Sherloc (09022015). Collection method: clinical testing. Allele origin: germline.